The following is an entry in ClinVar:

ClinVar aggregate classification (germline): Uncertain significance (1 of 4 stars; one submission).

Conditions:
Familial dysautonomia. Also called: FD; HSAN III. Identifiers: Orphanet 1764, MedGen C0013364, MONDO:0009131, OMIM 223900. Disease mechanism: loss of function.

Submission:

Myriad Genetics, Inc.
Classification: Uncertain significance for Familial dysautonomia. Last evaluated: 2026-02-11. Review status: criteria provided, single submitter. Criteria: Myriad Autosomal Dominant, Autosomal Recessive and X-Linked Classification Criteria (2023). Collection method: clinical testing. Allele origin: unknown.
Comment: NM_003640.3(ELP1):c.-56+2dupT is an intronic variant classified as a variant of uncertain significance in the context of familial dysautonomia. c.-56+2dupT has not been observed in cases with relevant disease. Relevant functional assessments of this variant are not available in the literature. c.-56+2dupT has not been observed in referenced population frequency databases. In summary, there is insufficient evidence to classify NM_003640.3(ELP1):c.-56+2dupT as pathogenic or benign. Please note: this variant was assessed in the context of healthy population screening.

NM_003640.5(ELP1):c.-56+2dup

Gene: ELP1 (elongator acetyltransferase complex subunit 1; minus strand). Cytogenetic location: 9q31.3.
Variant type: Duplication.
Coding change: c.-56+2dup on transcript NM_003640.5 (MANE Select); the canonical splice donor site of the intron after 56 bases upstream of the start codon, one base duplicated (T; older notation c.-56+2dupT).
Molecular consequence: splice donor variant.
Genome position (GRCh38, 1-based): chr9:108,933,862, A duplicated on the plus strand (T on the coding strand, the reverse complement: ELP1 is on the minus strand). VCF-style (leftmost placement, unchanged base first): chr9-108933861-T-TA. GRCh37 (hg19) VCF-style: chr9-111696141-T-TA.
Other names: c.-253+2dup (NM_001318360.2); c.-915+2dup (NM_001330749.2).
Identifiers: ClinVar variation 5004466 (VCV005004466.1).